The following is an entry in ClinVar:

ClinVar aggregate classification (germline): Likely pathogenic (1 of 4 stars; one submission).

Submission:

Labcorp Genetics (formerly Invitae), Labcorp
Classification: Likely pathogenic. Last evaluated: 2023-06-25. Review status: criteria provided, single submitter. Criteria: Invitae Variant Classification Sherloc (09022015). Collection method: clinical testing. Allele origin: germline.
Comment: In summary, the currently available evidence indicates that the variant is pathogenic, but additional data are needed to prove that conclusively. Therefore, this variant has been classified as Likely Pathogenic. Algorithms developed to predict the effect of sequence changes on RNA splicing suggest that this variant may disrupt the consensus splice site. This variant has not been reported in the literature in individuals affected with EYS-related conditions. This variant is not present in population databases (gnomAD no frequency). This sequence change affects a splice site in intron 6 of the EYS gene. It is expected to disrupt RNA splicing. Variants that disrupt the donor or acceptor splice site typically lead to a loss of protein function (PMID: 16199547), and loss-of-function variants in EYS are known to be pathogenic (PMID: 18836446, 20333770).

Literature cited by the submitters: PubMed 16199547; PubMed 18836446; PubMed 20333770.

NM_001142800.2(EYS):c.1057-2del

Gene: EYS (EGF-like photoreceptor maintenance factor; minus strand). Cytogenetic location: 6q12.
Variant type: Deletion.
Coding change: c.1057-2del on transcript NM_001142800.2 (MANE Select); the canonical splice acceptor site of the intron before coding-DNA position 1057, one base deleted (A; older notation c.1057-2delA).
Molecular consequence: splice acceptor variant.
Genome position (GRCh38, 1-based): chr6:65,402,607, T deleted on the plus strand (A on the coding strand, the reverse complement: EYS is on the minus strand). VCF-style (leftmost placement, unchanged base first): chr6-65402606-CT-C. GRCh37 (hg19) VCF-style: chr6-66112499-CT-C.
Other names: c.1057-2del (NM_001292009.2, NM_001142801.2, NM_198283.2).
Identifiers: ClinVar variation 2728690 (VCV002728690.3), dbSNP rs2533367962, ClinGen allele CA2697553532.